The following is an entry in ClinVar:

ClinVar aggregate classification (germline): Pathogenic/Likely pathogenic. Review status: criteria provided, multiple submitters, no conflicts (2 of 4 stars). 3 submissions from 3 submitters: Pathogenic (1); Likely pathogenic (1). 1 of the submissions does not count toward it. Last evaluated 2024-06-03.

Conditions:
Hereditary insensitivity to pain with anhidrosis (CIPA). Also called: HSAN Type IV; INSENSITIVITY TO PAIN, CONGENITAL, WITH ANHIDROSIS; hereditary sensory and autonomic neuropathy type 4; NTRK1 Congenital Insensitivity to Pain with Anhidrosis; FAMILIAL DYSAUTONOMIA, TYPE II; NEUROPATHY, CONGENITAL SENSORY, WITH ANHIDROSIS. Identifiers: Orphanet 642, MedGen C0020074, MONDO:0009746, OMIM 256800.

Allele frequency attached by ClinVar (database versions not stated): gnomAD exomes below 0.00001.
gnomAD v4.1: 2 of 1,597,526 alleles (0.00013%); highest among the groups gnomAD compares: Admixed American, 0.0033%; no homozygotes.

Submissions (3):

Natera, Inc.
Classification: Likely pathogenic for Hereditary insensitivity to pain with anhidrosis. Last evaluated: 2024-06-03. Review status: criteria provided, single submitter. Criteria: Natera Variant Classification Schema (03/2026). Collection method: clinical testing. Allele origin: germline.
Comment: The c.2028+3A>C variant in NTRK1 is an intronic variant located outside the canonical splice sites. This variant is rare in the general population with a frequency below the threshold expected for the associated phenotype(s). This variant has been observed in one or more individuals affected with the associated recessive disease, as either homozygous or compound heterozygous with a second variant (PMID: 8696348, 19651702). Additionally, this variant has been observed to segregate in affected family members (PMID: 8696348). Functional studies show that this variant may disrupt protein function (PMID: 8696348). Computational prediction algorithms indicate this variant is likely to affect gene or protein function. Given the available evidence, this variant is classified as Likely Pathogenic.

Labcorp Genetics (formerly Invitae), Labcorp
Classification: Pathogenic for Hereditary insensitivity to pain with anhidrosis. Last evaluated: 2022-08-08. Review status: criteria provided, single submitter. Criteria: Invitae Variant Classification Sherloc (09022015). Collection method: clinical testing. Allele origin: germline.
Comment: This sequence change falls in intron 14 of the NTRK1 gene. It does not directly change the encoded amino acid sequence of the NTRK1 protein. RNA analysis indicates that this variant induces altered splicing and may result in an absent or disrupted protein product. For these reasons, this variant has been classified as Pathogenic. Variants that disrupt the consensus splice site are a relatively common cause of aberrant splicing (PMID: 17576681, 9536098). Studies have shown that this variant results in activation of a cryptic splice site and introduces a premature termination codon (PMID: 8696348). The resulting mRNA is expected to undergo nonsense-mediated decay. ClinVar contains an entry for this variant (Variation ID: 12301). This variant is also known as c.2046+3A>C. This variant has been observed in individuals with NTRK1-related conditions (PMID: 8696348, 19651702; Invitae). It has also been observed to segregate with disease in related individuals. This variant is present in population databases (no rsID available, gnomAD no frequency).

OMIM
Classification: Pathogenic for INSENSITIVITY TO PAIN, CONGENITAL, WITH ANHIDROSIS. Last evaluated: 2001-12-01. Review status: no assertion criteria provided. Collection method: literature only. Allele origin: germline. Not counted in ClinVar's aggregate classification.

Literature cited by the submitters: PubMed 8696348 (cited by Natera, Inc. and Labcorp Genetics (formerly Invitae), Labcorp); PubMed 19651702 (cited by Natera, Inc. and Labcorp Genetics (formerly Invitae), Labcorp); PubMed 17576681 (cited by Labcorp Genetics (formerly Invitae), Labcorp); PubMed 9536098 (cited by Labcorp Genetics (formerly Invitae), Labcorp); PubMed 11748840 (cited by OMIM).

NM_002529.4(NTRK1):c.2046+3A>C

Gene: NTRK1 (neurotrophic receptor tyrosine kinase 1; plus strand). Cytogenetic location: 1q23.1.
Variant type: single nucleotide variant.
Coding change: c.2046+3A>C on transcript NM_002529.4 (MANE Select); 3 bases into the intron after coding-DNA position 2046, A replaced by C.
Molecular consequence: intron variant.
Genome position (GRCh38, 1-based): chr1:156,879,365, A>C. VCF-style: chr1-156879365-A-C. GRCh37 (hg19) VCF-style: chr1-156849157-A-C.
Other names: IVSDS, A-C, +3; c.1938+3A>C (NM_001007792.1); c.2028+3A>C (NM_001012331.2).
Identifiers: ClinVar variation 12301 (VCV000012301.12), dbSNP rs914061514, ClinGen allele CA31123518.